The following is an entry in ClinVar:

NM_001374736.1(DST):c.3998A>G (p.Asp1333Gly)

Gene: DST (dystonin; minus strand). Cytogenetic location: 6p12.1.
Variant type: single nucleotide variant.
Coding change: c.3998A>G on transcript NM_001374736.1 (MANE Select); coding-DNA position 3998, A replaced by G.
Protein change: p.Asp1333Gly; replaces aspartic acid 1333 with glycine.
Molecular consequence: missense variant.
Genome position (GRCh38, 1-based): chr6:56,631,355, T>C on the plus strand (A>G on the coding strand, the complement: DST is on the minus strand). VCF-style: chr6-56631355-T-C. GRCh37 (hg19) VCF-style: chr6-56496153-T-C.
Other names: c.3899A>G, p.Asp1300Gly (NM_001144769.5); c.3485A>G, p.Asp1162Gly (NM_001144770.2); c.3998A>G, p.Asp1333Gly (NM_001374722.1); c.3365A>G, p.Asp1122Gly (NM_001374729.1, NM_001374730.1, NM_001386100.1 and 1 more transcripts); c.4025A>G, p.Asp1342Gly (NM_001374734.1); c.2387A>G, p.Asp796Gly (NM_001723.7, NM_015548.5); short protein forms D1342G, D1162G, D1122G, D1300G, D1333G, D796G.
Identifiers: ClinVar variation 2132487 (VCV002132487.4), dbSNP rs2536972776, ClinGen allele CA364574650.

ClinVar aggregate classification (germline): Uncertain significance (1 of 4 stars; one submission).

Conditions:
Hereditary sensory and autonomic neuropathy type 6. Also called: Neuropathy, hereditary sensory and autonomic, type VI; HSAN VI. Identifiers: Orphanet 314381, MedGen C3539003, MONDO:0013839, OMIM 614653.
Epidermolysis bullosa simplex 3, localized or generalized intermediate, with BP230 deficiency (EBS3). Also called: Epidermolysis bullosa simplex due to BP230 deficiency; Epidermolysis bullosa simplex, autosomal recessive 2. Identifiers: Orphanet 412181, MedGen C3809470, MONDO:0014180, OMIM 615425.

Allele frequency attached by ClinVar (database versions not stated): gnomAD exomes below 0.00001.
gnomAD v4.1: 3 of 1,614,022 alleles (0.00019%); highest among the groups gnomAD compares: Non-Finnish European, 0.00025%; no homozygotes.

Submission:

Labcorp Genetics (formerly Invitae), Labcorp
Classification: Uncertain significance for Epidermolysis bullosa simplex 3, localized or generalized intermediate, with BP230 deficiency; Hereditary sensory and autonomic neuropathy type 6. Last evaluated: 2022-05-01. Review status: criteria provided, single submitter. Criteria: Invitae Variant Classification Sherloc (09022015). Collection method: clinical testing. Allele origin: germline.
Comment: In summary, the available evidence is currently insufficient to determine the role of this variant in disease. Therefore, it has been classified as a Variant of Uncertain Significance. Algorithms developed to predict the effect of missense changes on protein structure and function are either unavailable or do not agree on the potential impact of this missense change (SIFT: "Deleterious"; PolyPhen-2: "Benign"; Align-GVGD: "Class C65"). This variant has not been reported in the literature in individuals affected with DST-related conditions. This variant is not present in population databases (gnomAD no frequency). This sequence change replaces aspartic acid, which is acidic and polar, with glycine, which is neutral and non-polar, at codon 796 of the DST protein (p.Asp796Gly).